The following is an entry in ClinVar:

ClinVar aggregate classification (germline): Likely benign (1 of 4 stars; one submission).

gnomAD v4.1: 198 of 1,551,998 alleles (0.013%); highest among the groups gnomAD compares: South Asian, 0.11%; no homozygotes.

Submission:

CeGaT Center for Human Genetics Tuebingen
Classification: Likely benign. Last evaluated: 2026-01-01. Review status: criteria provided, single submitter. Criteria: CeGaT Center For Human Genetics Tuebingen Variant Classification Criteria Version 2. Collection method: clinical testing. Allele origin: germline. Affected: yes. Observed: 1 variant allele.
Comment: FAM149B1: BP4, BP7

NM_173348.2(FAM149B1):c.1563C>T (p.Pro521=)

Genes: DNAJC9 (DnaJ heat shock protein family (Hsp40) member C9; minus strand), FAM149B1 (family with sequence similarity 149 member B1; plus strand). Cytogenetic location: 10q22.2.
Variant type: single nucleotide variant.
Coding change: c.1563C>T on transcript NM_173348.2 (MANE Select); coding-DNA position 1563, C replaced by T.
Protein change: p.Pro521=; no amino-acid change (proline 521 retained).
Molecular consequence: synonymous variant.
Genome position (GRCh38, 1-based): chr10:73,235,279, C>T. VCF-style: chr10-73235279-C-T. GRCh37 (hg19) VCF-style: chr10-74995037-C-T.
Identifiers: ClinVar variation 4821525 (VCV004821525.4).